The following is an entry in ClinVar:

ClinVar aggregate classification (germline): Uncertain significance. Review status: criteria provided, multiple submitters, no conflicts (2 of 4 stars). 4 submissions from 4 submitters: Uncertain significance (3). 1 of the submissions does not count toward it. Last evaluated 2025-09-08.

Conditions:
Cardiomyopathy (CMYO). Also called: Cardiomyopathies. Identifiers: Orphanet 167848, MedGen C0878544, MONDO:0004994, HP:0001638. Inheritance: Various modes of inheritance.
Duchenne muscular dystrophy (DMD). Also called: MUSCULAR DYSTROPHY, PSEUDOHYPERTROPHIC PROGRESSIVE, DUCHENNE TYPE; Duchenne Muscular Dystrophy (DMD). Identifiers: Orphanet 98896, MedGen C0013264, MONDO:0010679, OMIM 310200.
Becker muscular dystrophy (BMD). Also called: MUSCULAR DYSTROPHY, PSEUDOHYPERTROPHIC PROGRESSIVE, BECKER TYPE; Becker Muscular Dystrophy (BMD). Identifiers: Orphanet 98895, MedGen C0917713, MONDO:0010311, OMIM 300376.
Dystrophin deficiency.
Cardiovascular phenotype. Identifiers: MedGen CN230736.

Allele frequency attached by ClinVar (database versions not stated): TOPMed below 0.00001.

Submissions (4):

Labcorp Genetics (formerly Invitae), Labcorp
Classification: Uncertain significance for Duchenne muscular dystrophy. Last evaluated: 2025-09-08. Review status: criteria provided, single submitter. Criteria: Invitae Variant Classification Sherloc (09022015). Collection method: clinical testing. Allele origin: germline.
Comment: This sequence change replaces aspartic acid, which is acidic and polar, with histidine, which is basic and polar, at codon 1894 of the DMD protein (p.Asp1894His). This variant is not present in population databases (gnomAD no frequency). This variant has not been reported in the literature in individuals affected with DMD-related conditions. ClinVar contains an entry for this variant (Variation ID: 577572). Invitae Evidence Modeling of protein sequence and biophysical properties (such as structural, functional, and spatial information, amino acid conservation, physicochemical variation, residue mobility, and thermodynamic stability) indicates that this missense variant is not expected to disrupt DMD protein function with a negative predictive value of 95%. In summary, the available evidence is currently insufficient to determine the role of this variant in disease. Therefore, it has been classified as a Variant of Uncertain Significance.

Ambry Genetics
Classification: Uncertain significance for Cardiovascular phenotype. Last evaluated: 2025-07-30. Review status: criteria provided, single submitter. Criteria: Ambry Variant Classification Scheme 2023. Collection method: clinical testing. Allele origin: germline.
Comment: The p.D1894H variant (also known as c.5680G>C), located in coding exon 40 of the DMD gene, results from a G to C substitution at nucleotide position 5680. The aspartic acid at codon 1894 is replaced by histidine, an amino acid with similar properties. This amino acid position is highly conserved in available vertebrate species. In addition, the in silico prediction for this alteration is inconclusive. Based on the available evidence, the clinical significance of this variant remains unclear.

Revvity Omics, Revvity
Classification: Uncertain significance. Last evaluated: 2024-05-15. Review status: criteria provided, single submitter. Criteria: ACMG Guidelines, 2015. Collection method: clinical testing. Allele origin: germline.

Natera, Inc.
Classification: Uncertain significance for Becker muscular dystrophy; Cardiomyopathy; Duchenne muscular dystrophy; Dystrophin deficiency. Last evaluated: 2018-07-24. Review status: no assertion criteria provided. Collection method: clinical testing. Allele origin: germline. Not counted in ClinVar's aggregate classification.

NM_004006.3(DMD):c.5680G>C (p.Asp1894His)

Gene: DMD (dystrophin; minus strand). Cytogenetic location: Xp21.1.
Variant type: single nucleotide variant.
Coding change: c.5680G>C on transcript NM_004006.3 (MANE Select); coding-DNA position 5680, G replaced by C.
Protein change: p.Asp1894His; replaces aspartic acid 1894 with histidine.
Molecular consequence: missense variant.
Genome position (GRCh38, 1-based): chrX:32,343,193, C>G on the plus strand (G>C on the coding strand, the complement: DMD is on the minus strand). VCF-style: chrX-32343193-C-G. GRCh37 (hg19) VCF-style: chrX-32361310-C-G.
Other names: c.5656G>C, p.Asp1886His (NM_000109.4); c.5668G>C, p.Asp1890His (NM_004009.3); c.5311G>C, p.Asp1771His (NM_004010.3); c.1657G>C, p.Asp553His (NM_004011.4); c.1648G>C, p.Asp550His (NM_004012.4); short protein forms D1894H, D550H, D1886H, D1771H, D1890H, D553H.
Identifiers: ClinVar variation 577572 (VCV000577572.8), dbSNP rs1288134740, ClinGen allele CA412665873.
Genomic context (GRCh38, chrX:32,343,193, plus strand): 5'-CCTTTATTTTCCTTTCATCTCTGGGCTCAGGTAGGCTGGCTAATTTTTTTTCAATGTCAT[C>G]CAAGCATTTCAGGAGATCATCAGCCTGCCTCTTGTACTGATACCACTGATGAGAAATTTC-3'
Protein context (NP_003997.2, residues 1884-1904): RQADDLLKCL[Asp1894His]DIEKKLASLP